The following is an entry in ClinVar:

NM_007294.4(BRCA1):c.4086T>A (p.Asp1362Glu)

Genes: BRCA1 (BRCA1 DNA repair associated; minus strand), LOC126862571 (BRD4-independent group 4 enhancer GRCh37_chr17:41243136-41244335; plus strand). Cytogenetic location: 17q21.31.
Variant type: single nucleotide variant.
Coding change: c.4086T>A on transcript NM_007294.4 (MANE Select); coding-DNA position 4086, T replaced by A.
Protein change: p.Asp1362Glu; replaces aspartic acid 1362 with glutamic acid.
Molecular consequence: missense variant. On other transcripts: intron variant (135).
Genome position (GRCh38, 1-based): chr17:43,091,445, A>T on the plus strand (T>A on the coding strand, the complement: BRCA1 is on the minus strand). VCF-style: chr17-43091445-A-T. GRCh37 (hg19) VCF-style: chr17-41243462-A-T.
Other names: c.452-413T>A (NM_001408508.1, NM_001408509.1); c.575-413T>A (NM_001408491.1, NM_001408493.1, NM_001408490.1); c.461-413T>A (NM_001408506.1, NM_001408507.1); c.578-413T>A (NM_001408481.1, NM_001408480.1, NM_001408492.1 and 9 more transcripts); c.779-413T>A (NM_001408408.1); c.662-413T>A (NM_001408446.1, NM_001408435.1, NM_001408448.1 and 6 more transcripts); c.785-413T>A (NM_001408401.1, NM_001408396.1, NM_001407985.1 and 13 more transcripts); c.548-413T>A (NM_001408494.1); and 41 more; short protein forms D1362E, D1315E, D1066E, D1294E, D1295E, D1314E, D1335E, D1361E.
Identifiers: ClinVar variation 1379235 (VCV001379235.12), dbSNP rs2154264837, ClinGen allele CA10593786.
Genomic context (GRCh38, chr17:43,091,445, plus strand): 5'-CTCACTTCTATAAATAGACTGGGGCAAACACAAAAACCTGGTTCCAATACCTAAGTTTGA[A>T]TCCATGCTTTGCTCTTCTTGATTATTTTCTTCCAAGCCCGTTCCTCTTTCTTCATCATCT-3'
Protein context (NP_009225.1, residues 1352-1372): EENNQEEQSM[Asp1362Glu]SNLGEAASGC

ClinVar aggregate classification (germline): Conflicting classifications of pathogenicity. Review status: criteria provided, conflicting classifications (1 of 4 stars). 4 submissions from 4 submitters: Uncertain significance (3); Likely benign (1). Last evaluated 2024-04-15.

Conditions:
Breast-ovarian cancer, familial, susceptibility to, 1 (BROVCA1). Also called: OVARIAN CANCER, SUSCEPTIBILITY TO; BRCA1 Hereditary Breast and Ovarian Cancer. Identifiers: Orphanet 145, MedGen C2676676, MONDO:0011450, OMIM 604370. Disease mechanism: loss of function.
Hereditary breast ovarian cancer syndrome. Also called: Hereditary breast and ovarian cancer; Hereditary breast and/or ovarian cancer syndrome; Breast and ovarian cancer; BRCA1- and BRCA2-Associated Hereditary Breast and Ovarian Cancer; Hereditary breast and ovarian cancer syndrome (HBOC); Hereditary breast and ovarian cancer syndrome. Identifiers: Orphanet 145, MedGen C0677776, MeSH D061325, MONDO:0003582. Disease mechanism: loss of function.
Hereditary cancer-predisposing syndrome. Also called: Tumor predisposition; Hereditary Cancer Syndrome; Hereditary neoplastic syndrome; Neoplastic Syndromes, Hereditary. Identifiers: Orphanet 140162, MedGen C0027672, MeSH D009386, MONDO:0015356.

Submissions (4):

Labcorp Genetics (formerly Invitae), Labcorp
Classification: Uncertain significance for Hereditary breast ovarian cancer syndrome. Last evaluated: 2024-04-15. Review status: criteria provided, single submitter. Criteria: Invitae Variant Classification Sherloc (09022015). Collection method: clinical testing. Allele origin: germline.
Comment: This sequence change replaces aspartic acid, which is acidic and polar, with glutamic acid, which is acidic and polar, at codon 1362 of the BRCA1 protein (p.Asp1362Glu). This variant is not present in population databases (gnomAD no frequency). This variant has not been reported in the literature in individuals affected with BRCA1-related conditions. ClinVar contains an entry for this variant (Variation ID: 1379235). Advanced modeling of protein sequence and biophysical properties (such as structural, functional, and spatial information, amino acid conservation, physicochemical variation, residue mobility, and thermodynamic stability) performed at Invitae indicates that this missense variant is not expected to disrupt BRCA1 protein function with a negative predictive value of 95%. In summary, the available evidence is currently insufficient to determine the role of this variant in disease. Therefore, it has been classified as a Variant of Uncertain Significance.

All of Us Research Program, National Institutes of Health
Classification: Uncertain significance for Breast-ovarian cancer, familial, susceptibility to, 1. Last evaluated: 2023-12-11. Review status: criteria provided, single submitter. Criteria: ACMG Guidelines, 2015. Collection method: clinical testing. Allele origin: germline. Inheritance: Autosomal dominant inheritance. Observed: 1 variant allele, 1 heterozygote.
Comment: This study involves interpretation of variants in research participants for the purpose of population health screening. Participant phenotype was not available at the time of variant classification. Additional details can be found in publication PMID: 35346344, PMCID: PMC8962531

University of Washington Department of Laboratory Medicine, University of Washington
Classification: Likely benign for Hereditary cancer-predisposing syndrome. Last evaluated: 2023-03-23. Review status: criteria provided, single submitter. Criteria: Dines et al. (Genet Med. 2020). Collection method: curation. Allele origin: germline.
Comment: Missense variant in a coldspot region where missense variants are very unlikely to be pathogenic (PMID:31911673).

BRCA1 coldspot (exon 11 using historical exon numbering). Reclassification based on statistical prior probability

Ambry Genetics
Classification: Uncertain significance for Hereditary cancer-predisposing syndrome. Last evaluated: 2021-11-03. Review status: criteria provided, single submitter. Criteria: Ambry Variant Classification Scheme 2023. Collection method: clinical testing. Allele origin: germline.
Comment: The p.D1362E variant (also known as c.4086T>A), located in coding exon 9 of the BRCA1 gene, results from a T to A substitution at nucleotide position 4086. The aspartic acid at codon 1362 is replaced by glutamic acid, an amino acid with highly similar properties. This amino acid position is not well conserved in available vertebrate species. In addition, the in silico prediction for this alteration is inconclusive. Since supporting evidence is limited at this time, the clinical significance of this alteration remains unclear.